The following is an entry in ClinVar:

NM_001170700.3(DTHD1):c.1469C>A (p.Ser490Tyr)

Gene: DTHD1 (death domain containing 1; plus strand). Cytogenetic location: 4p14.
Variant type: single nucleotide variant.
Coding change: c.1469C>A on transcript NM_001170700.3 (MANE Select); coding-DNA position 1469, C replaced by A.
Protein change: p.Ser490Tyr; replaces serine 490 with tyrosine.
Molecular consequence: missense variant. On other transcripts: non-coding transcript variant (2).
Genome position (GRCh38, 1-based): chr4:36,294,865, C>A. VCF-style: chr4-36294865-C-A. GRCh37 (hg19) VCF-style: chr4-36296487-C-A.
Other names: c.599C>A, p.Ser200Tyr (NM_001136536.5); c.536C>A, p.Ser179Tyr (NM_001378435.1); c.1094C>A (NM_001170700.1); short protein forms S179Y, S200Y, S490Y.
Identifiers: ClinVar variation 1507505 (VCV001507505.10), dbSNP rs199975273, ClinGen allele CA95771871.

ClinVar aggregate classification (germline): Uncertain significance. Review status: criteria provided, multiple submitters, no conflicts (2 of 4 stars). 3 submissions from 3 submitters: Uncertain significance (3). Last evaluated 2025-05-05.

Allele frequency attached by ClinVar (database versions not stated): gnomAD exomes 0.00003 and 0.00006; TOPMed 0.00004; gnomAD 0.00005.
gnomAD v4.1: 90 of 1,551,694 alleles (0.0058%); highest among the groups gnomAD compares: Non-Finnish European, 0.007%; no homozygotes.

Submissions (3):

Labcorp Genetics (formerly Invitae), Labcorp
Classification: Uncertain significance. Last evaluated: 2025-05-05. Review status: criteria provided, single submitter. Criteria: Invitae Variant Classification Sherloc (09022015). Collection method: clinical testing. Allele origin: germline.
Comment: This sequence change replaces serine, which is neutral and polar, with tyrosine, which is neutral and polar, at codon 200 of the DTHD1 protein (p.Ser200Tyr). This variant is present in population databases (rs199975273, gnomAD 0.01%). This variant has not been reported in the literature in individuals affected with DTHD1-related conditions. ClinVar contains an entry for this variant (Variation ID: 1507505). An algorithm developed to predict the effect of missense changes on protein structure and function (PolyPhen-2) suggests that this variant is likely to be disruptive. In summary, the available evidence is currently insufficient to determine the role of this variant in disease. Therefore, it has been classified as a Variant of Uncertain Significance.

Ambry Genetics
Classification: Uncertain significance. Last evaluated: 2024-12-11. Review status: criteria provided, single submitter. Criteria: Ambry Variant Classification Scheme 2023. Collection method: clinical testing. Allele origin: germline.

Blueprint Genetics
Classification: Uncertain significance. Last evaluated: 2023-10-20. Review status: criteria provided, single submitter. Criteria: ACMG Guidelines, 2015. Collection method: clinical testing. Allele origin: germline.